The following is an entry in ClinVar:

ClinVar aggregate classification (germline): Benign/Likely benign. Review status: criteria provided, multiple submitters, no conflicts (2 of 4 stars). 6 submissions from 6 submitters: Benign (4); Likely benign (1). 1 of the submissions does not count toward it. Last evaluated 2026-02-03.

Allele frequency attached by ClinVar (database versions not stated): gnomAD exomes 0.03351; ExAC 0.04894; 1000 Genomes Project 0.08007; 1000 Genomes Project 30x 0.08573; gnomAD 0.09641 and 0.10217; TOPMed 0.10369.
gnomAD v4.1: 75,906 of 1,417,940 alleles (5.4%); highest among the groups gnomAD compares: African/African-American, 24%; 3,421 homozygotes.

Submissions (6):

Labcorp Genetics (formerly Invitae), Labcorp
Classification: Benign. Last evaluated: 2026-02-03. Review status: criteria provided, single submitter. Criteria: Invitae Variant Classification Sherloc (09022015). Collection method: clinical testing. Allele origin: germline.

Blueprint Genetics
Classification: Likely benign. Last evaluated: 2024-11-27. Review status: criteria provided, single submitter. Criteria: ACMG Guidelines, 2015. Collection method: clinical testing. Allele origin: germline.

Eurofins Ntd Llc (ga)
Classification: Benign. Last evaluated: 2015-01-14. Review status: criteria provided, single submitter. Criteria: EGL Classification Definitions 2015. Collection method: clinical testing. Allele origin: germline. Observed: 7 variant alleles, 7 heterozygotes.

GeneDx
Classification: Benign. Last evaluated: 2014-02-27. Review status: criteria provided, single submitter. Criteria: GeneDx Variant Classification (06012015). Collection method: clinical testing. Allele origin: germline. Affected: yes.
Comment: This variant is considered likely benign or benign based on one or more of the following criteria: it is a conservative change, it occurs at a poorly conserved position in the protein, it is predicted to be benign by multiple in silico algorithms, and/or has population frequency not consistent with disease.

Breakthrough Genomics
Classification: Benign. Review status: criteria provided, single submitter. Criteria: ACMG Guidelines, 2015. Collection method: not provided. Allele origin: germline. Inheritance: Autosomal recessive inheritance. Affected: yes.

Genetic Services Laboratory, University of Chicago
Classification: Likely benign for AllHighlyPenetrant. Review status: no assertion criteria provided. Collection method: clinical testing. Allele origin: germline. Inheritance: X-linked inheritance. Not counted in ClinVar's aggregate classification.
Comment: Likely benign based on allele frequency in 1000 Genomes Project or ESP global frequency and its presence in a patient with a rare or unrelated disease phenotype. NOT Sanger confirmed.

NM_006059.4(LAMC3):c.75C>T (p.Cys25=)

Gene: LAMC3 (laminin subunit gamma 3; plus strand). Cytogenetic location: 9q34.12.
Variant type: single nucleotide variant.
Coding change: c.75C>T on transcript NM_006059.4 (MANE Select); coding-DNA position 75, C replaced by T.
Protein change: p.Cys25=; no amino-acid change (cysteine 25 retained).
Molecular consequence: synonymous variant.
Genome position (GRCh38, 1-based): chr9:131,009,289, C>T. VCF-style: chr9-131009289-C-T. GRCh37 (hg19) VCF-style: chr9-133884676-C-T.
Other names: p.C25C:TGC>TGT.
Identifiers: ClinVar variation 129472 (VCV000129472.19), dbSNP rs13286358, ClinGen allele CA153510.